The following is an entry in ClinVar:

ClinVar aggregate classification (germline): Uncertain significance (1 of 4 stars; one submission).

Conditions:
Congenital disorder of glycosylation, type Iaa. Also called: Congenital disorder of glycosylation, type 1aa. Identifiers: MedGen C4310727, MONDO:0014904, OMIM 617082.

Allele frequency attached by ClinVar (database versions not stated): TOPMed below 0.00001.

Submission:

Labcorp Genetics (formerly Invitae), Labcorp
Classification: Uncertain significance for Congenital disorder of glycosylation, type Iaa. Last evaluated: 2024-10-28. Review status: criteria provided, single submitter. Criteria: Invitae Variant Classification Sherloc (09022015). Collection method: clinical testing. Allele origin: germline.
Comment: This sequence change replaces arginine, which is basic and polar, with proline, which is neutral and non-polar, at codon 42 of the NUS1 protein (p.Arg42Pro). This variant is not present in population databases (gnomAD no frequency). This variant has not been reported in the literature in individuals affected with NUS1-related conditions. An algorithm developed to predict the effect of missense changes on protein structure and function (PolyPhen-2) suggests that this variant is likely to be tolerated. In summary, the available evidence is currently insufficient to determine the role of this variant in disease. Therefore, it has been classified as a Variant of Uncertain Significance.

NM_138459.5(NUS1):c.125G>C (p.Arg42Pro)

Gene: NUS1 (NUS1 dehydrodolichyl diphosphate synthase subunit; plus strand). Cytogenetic location: 6q22.1.
Variant type: single nucleotide variant.
Coding change: c.125G>C on transcript NM_138459.5 (MANE Select); coding-DNA position 125, G replaced by C.
Protein change: p.Arg42Pro; replaces arginine 42 with proline.
Molecular consequence: missense variant.
Genome position (GRCh38, 1-based): chr6:117,675,795, G>C. VCF-style: chr6-117675795-G-C. GRCh37 (hg19) VCF-style: chr6-117996958-G-C.
Other names: short protein forms R42P.
Identifiers: ClinVar variation 2787710 (VCV002787710.3), dbSNP rs1772965082, ClinGen allele CA365535956.